The following is an entry in ClinVar:

NM_000088.4(COL1A1):c.2450dup (p.Gly818fs)

Gene: COL1A1 (collagen type I alpha 1 chain; minus strand). Cytogenetic location: 17q21.33.
Variant type: Duplication.
Coding change: c.2450dup on transcript NM_000088.4 (MANE Select); coding-DNA position 2450, one base duplicated (C; older notation c.2450dupC).
Protein change: p.Gly818fs; shifts the reading frame from glycine 818.
Molecular consequence: frameshift variant.
Genome position (GRCh38, 1-based): chr17:50,190,328, G duplicated on the plus strand (C on the coding strand, the reverse complement: COL1A1 is on the minus strand); the first of 6 consecutive G bases (chr17:50,190,328-50,190,333); duplicating any one gives the same sequence. VCF-style (leftmost placement, unchanged base first): chr17-50190327-A-AG. GRCh37 (hg19) VCF-style: chr17-48267688-A-AG.
Other names: c.2450dupC (NM_000088.3); short protein forms G818fs.
Identifiers: ClinVar variation 652541 (VCV000652541.11), dbSNP rs193922149, ClinGen allele CA915950606.
Genomic context (GRCh38, chr17:50,190,327, plus strand): 5'-GTCCCTCGAGGTCCCAGGTCCCAGTCGGTGATGAAAAATGATGGGGGTCTTGGTACTCAC[A>AG]GGGGGGCCAGCAAAGCCAGCAGGGCCGGGGGGACCAGGCTCACCACGGTCTCCCTAGAAG-3'

ClinVar aggregate classification (germline): Pathogenic (1 of 4 stars; one submission).

Conditions:
Osteogenesis imperfecta type I (OI1). Also called: Lobstein disease; Classic Non-deforming Osteogenesis Imperfecta with Blue Sclerae; Lobstein's Disease; OI, TYPE I; OSTEOGENESIS IMPERFECTA TARDA; OSTEOGENESIS IMPERFECTA WITH BLUE SCLERAE. Identifiers: Orphanet 216796, Orphanet 666, MedGen C0023931, MONDO:0008146, OMIM 166200. Disease mechanism: loss of function.

Submission:

Labcorp Genetics (formerly Invitae), Labcorp
Classification: Pathogenic for Osteogenesis imperfecta type I. Last evaluated: 2025-11-15. Review status: criteria provided, single submitter. Criteria: Invitae Variant Classification Sherloc (09022015). Collection method: clinical testing. Allele origin: germline.
Comment: This sequence change creates a premature translational stop signal (p.Gly818Trpfs*3) in the COL1A1 gene. It is expected to result in an absent or disrupted protein product. Loss-of-function variants in COL1A1 are known to be pathogenic (PMID: 7942841, 9295084, 9443882). This variant is not present in population databases (gnomAD no frequency). This premature translational stop signal has been observed in individuals with osteogenesis imperfecta type 1 (PMID: 23529829). This variant is also known as c.2451insC. ClinVar contains an entry for this variant (Variation ID: 652541). For these reasons, this variant has been classified as Pathogenic.

Literature cited by the submitters: PubMed 7942841; PubMed 9295084; PubMed 9443882; PubMed 23529829.